The following is an entry in ClinVar:

NM_006939.4(SOS2):c.2985G>A (p.Met995Ile)

Gene: SOS2 (SOS Ras/Rho guanine nucleotide exchange factor 2; minus strand). Cytogenetic location: 14q21.3.
Variant type: single nucleotide variant.
Coding change: c.2985G>A on transcript NM_006939.4 (MANE Select); coding-DNA position 2985, G replaced by A.
Protein change: p.Met995Ile; replaces methionine 995 with isoleucine.
Molecular consequence: missense variant.
Genome position (GRCh38, 1-based): chr14:50,134,213, C>T on the plus strand (G>A on the coding strand, the complement: SOS2 is on the minus strand). VCF-style: chr14-50134213-C-T. GRCh37 (hg19) VCF-style: chr14-50600931-C-T.
Other names: c.2985G>A (NM_006939.2); short protein forms M995I.
Identifiers: ClinVar variation 1467793 (VCV001467793.9), dbSNP rs746630297, ClinGen allele CA7176893.

ClinVar aggregate classification (germline): Uncertain significance. Review status: criteria provided, multiple submitters, no conflicts (2 of 4 stars). 3 submissions from 3 submitters: Uncertain significance (3). Last evaluated 2025-09-18.

Conditions:
Cardiovascular phenotype. Identifiers: MedGen CN230736.
Noonan syndrome 9 (NS9). Identifiers: Orphanet 648, MedGen C4225282, MONDO:0014691, OMIM 616559.

Allele frequency attached by ClinVar (database versions not stated): ExAC 0.00001; gnomAD exomes 0.00001; TOPMed 0.00001.
gnomAD v4.1: 7 of 1,595,640 alleles (0.00044%); highest among the groups gnomAD compares: Middle Eastern, 0.067%; no homozygotes.

Submissions (3):

Labcorp Genetics (formerly Invitae), Labcorp
Classification: Uncertain significance for Noonan syndrome 9. Last evaluated: 2025-09-18. Review status: criteria provided, single submitter. Criteria: Invitae Variant Classification Sherloc (09022015). Collection method: clinical testing. Allele origin: germline.
Comment: This sequence change replaces methionine, which is neutral and non-polar, with isoleucine, which is neutral and non-polar, at codon 995 of the SOS2 protein (p.Met995Ile). This variant is present in population databases (rs746630297, gnomAD 0.002%). This variant has not been reported in the literature in individuals affected with SOS2-related conditions. ClinVar contains an entry for this variant (Variation ID: 1467793). Invitae Evidence Modeling of protein sequence and biophysical properties (such as structural, functional, and spatial information, amino acid conservation, physicochemical variation, residue mobility, and thermodynamic stability) indicates that this missense variant is not expected to disrupt SOS2 protein function with a negative predictive value of 95%. In summary, the available evidence is currently insufficient to determine the role of this variant in disease. Therefore, it has been classified as a Variant of Uncertain Significance.

Ambry Genetics
Classification: Uncertain significance for Cardiovascular phenotype. Last evaluated: 2025-05-03. Review status: criteria provided, single submitter. Criteria: Ambry Variant Classification Scheme 2023. Collection method: clinical testing. Allele origin: germline.
Comment: The p.M995I variant (also known as c.2985G>A), located in coding exon 19 of the SOS2 gene, results from a G to A substitution at nucleotide position 2985. The methionine at codon 995 is replaced by isoleucine, an amino acid with highly similar properties. This amino acid position is conserved. In addition, this alteration is predicted to be tolerated by in silico analysis. Based on the available evidence, the clinical significance of this variant remains unclear.

Women's Health and Genetics/Laboratory Corporation of America, LabCorp
Classification: Uncertain significance. Last evaluated: 2025-04-11. Review status: criteria provided, single submitter. Criteria: LabCorp Variant Classification Summary - May 2015. Collection method: clinical testing. Allele origin: germline.